The following is an entry in ClinVar:

NM_013450.4(BAZ2B):c.2324del (p.Pro775fs)

Gene: BAZ2B (bromodomain adjacent to zinc finger domain 2B; minus strand). Cytogenetic location: 2q24.2.
Variant type: Deletion.
Coding change: c.2324del on transcript NM_013450.4 (MANE Select); coding-DNA position 2324, one base deleted (C; older notation c.2324delC).
Protein change: p.Pro775fs; shifts the reading frame from proline 775.
Molecular consequence: frameshift variant.
Genome position (GRCh38, 1-based): chr2:159,428,351, G deleted on the plus strand (C on the coding strand, the reverse complement: BAZ2B is on the minus strand); the first of 2 consecutive G bases (chr2:159,428,351-159,428,352); deleting either gives the same sequence. VCF-style (leftmost placement, unchanged base first): chr2-159428350-TG-T. GRCh37 (hg19) VCF-style: chr2-160284861-TG-T.
Other names: c.2318del, p.Pro773fs (NM_001289975.1); c.2135del, p.Pro712fs (NM_001329857.2); c.2324del, p.Pro775fs (NM_001329858.2); short protein forms P712fs, P773fs, P775fs.
Identifiers: ClinVar variation 3252370 (VCV003252370.1), dbSNP rs2546784032.
Genomic context (GRCh38, chr2:159,428,350, plus strand): 5'-TATTTGGTGAAAAGTATGTACCTTTATTACTTCAGGGTACTGCCTAAGTTTCTTTCCACA[TG>T]GAGCATAATATGCTACTTCTCCTTGAAGGCGCCCTCCAAAGTTTCTTATTCTTGTCTCTC-3'

ClinVar aggregate classification (germline): Uncertain significance (1 of 4 stars; one submission).

Submission:

GeneDx
Classification: Uncertain significance. Last evaluated: 2023-12-07. Review status: criteria provided, single submitter. Criteria: GeneDx Variant Classification Process June 2021. Collection method: clinical testing. Allele origin: germline. Affected: yes.
Comment: Has not been previously published as pathogenic or benign to our knowledge; Not observed at significant frequency in large population cohorts (gnomAD); Frameshift variant predicted to result in protein truncation or nonsense mediated decay in a gene or region of a gene for which loss of function is not a well-established mechanism of disease